The following is an entry in ClinVar:

NM_004208.4(AIFM1):c.1754T>C (p.Met585Thr)

Genes: AIFM1 (apoptosis inducing factor mitochondria associated 1; minus strand), RAB33A (RAB33A, member RAS oncogene family; plus strand). Cytogenetic location: Xq26.1.
Variant type: single nucleotide variant.
Coding change: c.1754T>C on transcript NM_004208.4 (MANE Select); coding-DNA position 1754, T replaced by C.
Protein change: p.Met585Thr; replaces methionine 585 with threonine.
Molecular consequence: missense variant. On other transcripts: 3 prime UTR variant (1), non-coding transcript variant (1).
Genome position (GRCh38, 1-based): chrX:130,129,986, A>G on the plus strand (T>C on the coding strand, the complement: AIFM1 is on the minus strand). VCF-style: chrX-130129986-A-G. GRCh37 (hg19) VCF-style: chrX-129263961-A-G.
Other names: c.737T>C, p.Met246Thr (NM_001130846.4); c.*982T>C (NM_001130847.4); c.1742T>C, p.Met581Thr (NM_145812.3); short protein forms M246T, M581T, M585T.
Identifiers: ClinVar variation 3036015 (VCV003036015.2), dbSNP rs778929595, ClinGen allele CA10515227.

ClinVar aggregate classification (germline): Uncertain significance (0 of 4 stars; one submission).

Conditions:
AIFM1-related disorder. Also called: AIFM1-related condition.

Allele frequency attached by ClinVar (database versions not stated): gnomAD exomes below 0.00001; ExAC 0.00001.
gnomAD v4.1: 2 of 1,211,600 alleles (0.00017%); highest among the groups gnomAD compares: Non-Finnish European, 0.00022%; no homozygotes.

Submission:

PreventionGenetics, part of Exact Sciences
Classification: Uncertain significance for AIFM1-related condition. Last evaluated: 2024-01-18. Review status: no assertion criteria provided. Collection method: clinical testing. Allele origin: germline.
Comment: The AIFM1 c.1754T>C variant is predicted to result in the amino acid substitution p.Met585Thr. To our knowledge, this variant has not been reported in the literature. This variant is reported in 0.0012% of alleles in individuals of European (Non-Finnish) descent in gnomAD. At this time, the clinical significance of this variant is uncertain due to the absence of conclusive functional and genetic evidence.